The following is an entry in ClinVar:

NM_006859.4(LIAS):c.328C>T (p.Arg110Ter)

Gene: LIAS (lipoic acid synthetase; plus strand). Cytogenetic location: 4p14.
Variant type: single nucleotide variant.
Coding change: c.328C>T on transcript NM_006859.4 (MANE Select); coding-DNA position 328, C replaced by T.
Protein change: p.Arg110Ter; replaces arginine 110 with a stop codon.
Molecular consequence: nonsense. On other transcripts: synonymous variant (2).
Genome position (GRCh38, 1-based): chr4:39,463,540, C>T. VCF-style: chr4-39463540-C-T. GRCh37 (hg19) VCF-style: chr4-39465160-C-T.
Other names: c.328C>T, p.Arg110Ter (NM_001278590.2, NM_001278591.2, NM_194451.3); c.234C>T, p.Leu78= (NM_001278592.2, NM_001363700.2); short protein forms R110*.
Identifiers: ClinVar variation 3678499 (VCV003678499.2).

ClinVar aggregate classification (germline): Pathogenic (1 of 4 stars; one submission).

Conditions:
Lipoic acid synthetase deficiency. Also called: HYPERGLYCINEMIA, LACTIC ACIDOSIS, AND SEIZURES. Identifiers: Orphanet 401859, MedGen C3280887, MONDO:0013762, OMIM 614462.

Submission:

Labcorp Genetics (formerly Invitae), Labcorp
Classification: Pathogenic for Lipoic acid synthetase deficiency. Last evaluated: 2025-05-22. Review status: criteria provided, single submitter. Criteria: Invitae Variant Classification Sherloc (09022015). Collection method: clinical testing. Allele origin: germline.
Comment: This sequence change creates a premature translational stop signal (p.Arg110*) in the LIAS gene. It is expected to result in an absent or disrupted protein product. Loss-of-function variants in LIAS are known to be pathogenic (PMID: 24334290, 27923773). This variant is present in population databases (rs764248088, gnomAD 0.002%). This variant has not been reported in the literature in individuals affected with LIAS-related conditions. ClinVar contains an entry for this variant (Variation ID: 3678499). For these reasons, this variant has been classified as Pathogenic.

Literature cited by the submitters: PubMed 24334290; PubMed 27923773.